The following is an entry in ClinVar:

NM_001200.4(BMP2):c.125C>A (p.Ser42Ter)

Gene: BMP2 (bone morphogenetic protein 2; plus strand). Cytogenetic location: 20p12.3.
Variant type: single nucleotide variant.
Coding change: c.125C>A on transcript NM_001200.4 (MANE Select); coding-DNA position 125, C replaced by A.
Protein change: p.Ser42Ter; replaces serine 42 with a stop codon.
Molecular consequence: nonsense.
Genome position (GRCh38, 1-based): chr20:6,770,251, C>A. VCF-style: chr20-6770251-C-A. GRCh37 (hg19) VCF-style: chr20-6750898-C-A.
Other names: short protein forms S42*.
Identifiers: ClinVar variation 4854977 (VCV004854977.1).
Genomic context (GRCh38, chr20:6,770,251, plus strand): 5'-CTGGCCTCGTTCCGGAGCTGGGCCGCAGGAAGTTCGCGGCGGCGTCGTCGGGCCGCCCCT[C>A]ATCCCAGCCCTCTGACGAGGTCCTGAGCGAGTTCGAGTTGCGGCTGCTCAGCATGTTCGG-3'

ClinVar aggregate classification (germline): Likely pathogenic (1 of 4 stars; one submission).

Conditions:
Short stature, facial dysmorphism, and skeletal anomalies with or without cardiac anomalies 1. Identifiers: MedGen C5542952, MONDO:0100297, OMIM 617877.

Submission:

3billion
Classification: Likely pathogenic for Short stature, facial dysmorphism, and skeletal anomalies with or without cardiac anomalies 1. Last evaluated: 2025-12-17. Review status: criteria provided, single submitter. Criteria: ACMG Guidelines, 2015. Collection method: clinical testing. Allele origin: germline. Affected: yes.
Comment: The variant is not observed in the gnomAD v4.1.0 dataset. Predicted Consequence/Location: Stop-gained (nonsense): predicted to result in a loss or disruption of normal protein function through nonsense-mediated decay (NMD) or protein truncation. Multiple pathogenic variants are reported downstream of the variant. Therefore, this variant is classified as Likely pathogenic according to the recommendation of ACMG/AMP guideline.